The following is an entry in ClinVar:

ClinVar aggregate classification (germline): Pathogenic (1 of 4 stars; one submission).

Conditions:
Nemaline myopathy 9 (NEM9). Identifiers: MedGen C3810384, MONDO:0014326, OMIM 615731.

Submission:

Labcorp Genetics (formerly Invitae), Labcorp
Classification: Pathogenic for Nemaline myopathy 9. Last evaluated: 2025-02-23. Review status: criteria provided, single submitter. Criteria: Invitae Variant Classification Sherloc (09022015). Collection method: clinical testing. Allele origin: germline.
Comment: This sequence change creates a premature translational stop signal (p.Arg149Serfs*8) in the KLHL41 gene. It is expected to result in an absent or disrupted protein product. Loss-of-function variants in KLHL41 are known to be pathogenic (PMID: 24268659). This variant is not present in population databases (gnomAD no frequency). This variant has not been reported in the literature in individuals affected with KLHL41-related conditions. For these reasons, this variant has been classified as Pathogenic.

Literature cited by the submitters: PubMed 24268659.

NM_006063.3(KLHL41):c.446_447insT (p.Arg149fs)

Gene: KLHL41 (kelch like family member 41; plus strand). Cytogenetic location: 2q31.1.
Variant type: Insertion.
Coding change: c.446_447insT on transcript NM_006063.3 (MANE Select); coding-DNA positions 446 to 447, T inserted.
Protein change: p.Arg149fs; shifts the reading frame from arginine 149.
Molecular consequence: frameshift variant.
Genome position: GRCh38 VCF-style: chr2-169510224-G-GT. GRCh37 (hg19) VCF-style: chr2-170366734-G-GT.
Other names: short protein forms R149fs.
Identifiers: ClinVar variation 4713743 (VCV004713743.1).